The following is an entry in ClinVar:

NM_133497.4(KCNV2):c.312T>C (p.Gly104=)

Gene: KCNV2 (potassium voltage-gated channel modifier subfamily V member 2; plus strand). Cytogenetic location: 9p24.2.
Variant type: single nucleotide variant.
Coding change: c.312T>C on transcript NM_133497.4 (MANE Select); coding-DNA position 312, T replaced by C.
Protein change: p.Gly104=; no amino-acid change (glycine 104 retained).
Molecular consequence: synonymous variant.
Genome position (GRCh38, 1-based): chr9:2,718,051, T>C. VCF-style: chr9-2718051-T-C. GRCh37 (hg19) VCF-style: chr9-2718051-T-C.
Identifiers: ClinVar variation 96359 (VCV000096359.22), dbSNP rs150685794, ClinGen allele CA149461.

ClinVar aggregate classification (germline): Benign/Likely benign. Review status: criteria provided, multiple submitters, no conflicts (2 of 4 stars). 6 submissions from 6 submitters: Benign (3); Likely benign (1). 2 of the submissions do not count toward it. Last evaluated 2026-01-27.

Conditions:
Cone dystrophy with supernormal rod response (CDSRR). Also called: CONE DYSTROPHY WITH SUPERNORMAL ROD RESPONSES. Identifiers: Orphanet 209932, MedGen C1835897, MONDO:0012475, OMIM 610356.

Allele frequency attached by ClinVar (database versions not stated): gnomAD exomes 0.00044 and 0.00123; ExAC 0.00177; 1000 Genomes Project 30x 0.00453; gnomAD 0.00472 and 0.00511; 1000 Genomes Project 0.00479; TOPMed 0.00516; ESP Exome Variant Server 0.00554.
gnomAD v4.1: 1,380 of 1,608,950 alleles (0.086%); highest among the groups gnomAD compares: African/African-American, 1.6%; 5 homozygotes.

Submissions (6):

Labcorp Genetics (formerly Invitae), Labcorp
Classification: Benign. Last evaluated: 2026-01-27. Review status: criteria provided, single submitter. Criteria: Invitae Variant Classification Sherloc (09022015). Collection method: clinical testing. Allele origin: germline.

Blueprint Genetics
Classification: Likely benign. Last evaluated: 2024-11-13. Review status: criteria provided, single submitter. Criteria: ACMG Guidelines, 2015. Collection method: clinical testing. Allele origin: germline.

Illumina Laboratory Services, Illumina
Classification: Benign for Cone dystrophy with supernormal rod response. Last evaluated: 2018-01-13. Review status: criteria provided, single submitter. Criteria: ICSL Variant Classification Criteria 13 December 2019. Collection method: clinical testing. Allele origin: germline.
Comment: This variant was observed in the ICSL laboratory as part of a predisposition screen in an ostensibly healthy population. It had not been previously curated by ICSL or reported in the Human Gene Mutation Database (HGMD: prior to June 1st, 2018), and was therefore a candidate for classification through an automated scoring system. Utilizing variant allele frequency, disease prevalence and penetrance estimates, and inheritance mode, an automated score was calculated to assess if this variant is too frequent to cause the disease. Based on the score and internal cut-off values, a variant classified as benign is not then subjected to further curation. The score for this variant resulted in a classification of benign for this disease.

Eurofins Ntd Llc (ga)
Classification: Benign. Last evaluated: 2013-09-23. Review status: criteria provided, single submitter. Criteria: EGL Classification Definitions 2015. Collection method: clinical testing. Allele origin: germline. Observed: 1 variant allele, 1 heterozygote.

Clinical Genetics DNA and cytogenetics Diagnostics Lab, Erasmus MC, Erasmus Medical Center
Classification: Likely benign. Review status: no assertion criteria provided. Collection method: clinical testing. Allele origin: germline. Affected: yes. Study: VKGL Data-share Consensus. Not counted in ClinVar's aggregate classification.

Clinical Genetics, Academic Medical Center
Classification: Likely benign. Review status: no assertion criteria provided. Collection method: clinical testing. Allele origin: germline. Affected: yes. Study: VKGL Data-share Consensus. Not counted in ClinVar's aggregate classification.